The following is an entry in ClinVar:

NM_001032283.3(TMPO):c.565+2284A>G

Gene: TMPO (thymopoietin; plus strand). Cytogenetic location: 12q23.1.
Variant type: single nucleotide variant.
Coding change: c.565+2284A>G on transcript NM_001032283.3 (MANE Select); 2284 bases into the intron after coding-DNA position 565, A replaced by G.
Molecular consequence: intron variant. On other transcripts: missense variant (1).
Genome position (GRCh38, 1-based): chr12:98,534,122, A>G. VCF-style: chr12-98534122-A-G. GRCh37 (hg19) VCF-style: chr12-98927900-A-G.
Other names: c.1865A>G, p.Tyr622Cys (NM_003276.2); c.565+2284A>G (NM_001307975.2, NM_001032284.3); short protein forms Y622C.
Identifiers: ClinVar variation 3327287 (VCV003327287.3).

ClinVar aggregate classification (germline): Uncertain significance. Review status: criteria provided, multiple submitters, no conflicts (2 of 4 stars). 2 submissions from 2 submitters: Uncertain significance (2). Last evaluated 2024-06-09.

Conditions:
Loeys-Dietz syndrome 2 (LDS2). Also called: AORTIC ANEURYSM, FAMILIAL THORACIC 3; MARFAN SYNDROME, TYPE II; TGFBR2-Related Loeys-Dietz Syndrome; Marfan Syndrome type 2; Marfan like connective tissue disorder; MFS 2. Identifiers: Orphanet 284973, Orphanet 558, MedGen C2674574, MONDO:0012427, OMIM 610168.

gnomAD v4.1: 4 of 1,613,788 alleles (0.00025%); highest among the groups gnomAD compares: Non-Finnish European, 0.00034%; no homozygotes.

Submissions (2):

Ambry Genetics
Classification: Uncertain significance. Last evaluated: 2024-06-09. Review status: criteria provided, single submitter. Criteria: Ambry Variant Classification Scheme 2023. Collection method: clinical testing. Allele origin: germline.
Comment: The p.Y622C variant (also known as c.1865A>G), located in coding exon 4 of the TMPO gene, results from an A to G substitution at nucleotide position 1865. The tyrosine at codon 622 is replaced by cysteine, an amino acid with highly dissimilar properties. This amino acid position is conserved. In addition, the in silico prediction for this alteration is inconclusive. Based on the available evidence, the clinical significance of this variant remains unclear.

Labcorp Genetics (formerly Invitae), Labcorp
Classification: Uncertain significance for Loeys-Dietz syndrome 2. Last evaluated: 2024-05-21. Review status: criteria provided, single submitter. Criteria: Invitae Variant Classification Sherloc (09022015). Collection method: clinical testing. Allele origin: germline.
Comment: This sequence change replaces tyrosine, which is neutral and polar, with cysteine, which is neutral and slightly polar, at codon 622 of the TMPO protein (p.Tyr622Cys). This variant is not present in population databases (gnomAD no frequency). This variant has not been reported in the literature in individuals affected with TMPO-related conditions. Advanced modeling of protein sequence and biophysical properties (such as structural, functional, and spatial information, amino acid conservation, physicochemical variation, residue mobility, and thermodynamic stability) performed at Invitae indicates that this missense variant is not expected to disrupt TMPO protein function with a negative predictive value of 80%. In summary, the available evidence is currently insufficient to determine the role of this variant in disease. Therefore, it has been classified as a Variant of Uncertain Significance.